The following is an entry in ClinVar:

ClinVar aggregate classification (germline): Pathogenic (1 of 4 stars; one submission).

Conditions:
Neurofibromatosis, type 1 (NF1). Also called: NEUROFIBROMATOSIS, TYPE I, SOMATIC; Peripheral type neurofibromatosis; Neurofibromatosis, type I; VON RECKLINGHAUSEN DISEASE. Identifiers: Orphanet 636, MedGen C0027831, MONDO:0018975, OMIM 162200. Disease mechanism: loss of function.

Submission:

Labcorp Genetics (formerly Invitae), Labcorp
Classification: Pathogenic for Neurofibromatosis, type 1. Last evaluated: 2025-01-29. Review status: criteria provided, single submitter. Criteria: Invitae Variant Classification Sherloc (09022015). Collection method: clinical testing. Allele origin: germline.
Comment: This sequence change creates a premature translational stop signal (p.Ser1733Leufs*11) in the NF1 gene. It is expected to result in an absent or disrupted protein product. Loss-of-function variants in NF1 are known to be pathogenic (PMID: 10712197, 23913538). This variant is not present in population databases (gnomAD no frequency). This variant has not been reported in the literature in individuals affected with NF1-related conditions. For these reasons, this variant has been classified as Pathogenic.

Literature cited by the submitters: PubMed 10712197; PubMed 23913538.

NM_001042492.3(NF1):c.5260del (p.Ser1754fs)

Gene: NF1 (neurofibromin 1; plus strand). Cytogenetic location: 17q11.2.
Variant type: Deletion.
Coding change: c.5260del on transcript NM_001042492.3 (MANE Select); coding-DNA position 5260, one base deleted (T; older notation c.5260delT).
Protein change: p.Ser1754fs; shifts the reading frame from serine 1754.
Molecular consequence: frameshift variant.
Genome position (GRCh38, 1-based): chr17:31,326,244, T deleted; the last of 3 consecutive T bases (chr17:31,326,242-31,326,244); deleting any one gives the same sequence. VCF-style (leftmost placement, unchanged base first): chr17-31326241-GT-G. GRCh37 (hg19) VCF-style: chr17-29653259-GT-G.
Other names: c.5197delT, p.Ser1733Leufs (NM_000267.4); short protein forms S1733fs, S1754fs.
Identifiers: ClinVar variation 3729773 (VCV003729773.2).